The following is an entry in ClinVar:

NM_001271.4(CHD2):c.3515G>A (p.Arg1172His)

Gene: CHD2 (chromodomain helicase DNA binding protein 2; plus strand). Cytogenetic location: 15q26.1.
Variant type: single nucleotide variant.
Coding change: c.3515G>A on transcript NM_001271.4 (MANE Select); coding-DNA position 3515, G replaced by A.
Protein change: p.Arg1172His; replaces arginine 1172 with histidine.
Molecular consequence: missense variant.
Genome position (GRCh38, 1-based): chr15:92,992,918, G>A. VCF-style: chr15-92992918-G-A. GRCh37 (hg19) VCF-style: chr15-93536148-G-A.
Other names: short protein forms R1172H.
Identifiers: ClinVar variation 1000759 (VCV001000759.9), dbSNP rs2054139326, ClinGen allele CA393896647.

ClinVar aggregate classification (germline): Uncertain significance (1 of 4 stars; one submission).

Conditions:
Developmental and epileptic encephalopathy 94 (DEE94). Also called: CHD2-Related Neurodevelopmental Disorders; Epileptic encephalopathy, childhood-onset. Identifiers: Orphanet 1942, Orphanet 2382, MedGen C3809278, MONDO:0014150, OMIM 615369.

gnomAD v4.1: 6 of 1,614,106 alleles (0.00037%); highest among the groups gnomAD compares: Non-Finnish European, 0.00051%; no homozygotes.

Submission:

Labcorp Genetics (formerly Invitae), Labcorp
Classification: Uncertain significance for Developmental and epileptic encephalopathy 94. Last evaluated: 2020-03-30. Review status: criteria provided, single submitter. Criteria: Invitae Variant Classification Sherloc (09022015). Collection method: clinical testing. Allele origin: germline.
Comment: In summary, the available evidence is currently insufficient to determine the role of this variant in disease. Therefore, it has been classified as a Variant of Uncertain Significance. Algorithms developed to predict the effect of missense changes on protein structure and function are either unavailable or do not agree on the potential impact of this missense change (SIFT: "Deleterious"; PolyPhen-2: "Benign"; Align-GVGD: "Class C25"). This variant has not been reported in the literature in individuals with CHD2-related conditions. This variant is not present in population databases (ExAC no frequency). This sequence change replaces arginine with histidine at codon 1172 of the CHD2 protein (p.Arg1172His). The arginine residue is highly conserved and there is a small physicochemical difference between arginine and histidine.